The following is an entry in ClinVar:

ClinVar aggregate classification (germline): Likely benign (1 of 4 stars; one submission).

Allele frequency attached by ClinVar (database versions not stated): gnomAD exomes 0.00001; TOPMed 0.00003; gnomAD 0.00001; ExAC 0.00002.
gnomAD v4.1: 10 of 1,614,082 alleles (0.00062%); highest among the groups gnomAD compares: African/African-American, 0.0027%; no homozygotes.

Submission:

GeneDx
Classification: Likely benign. Last evaluated: 2018-03-21. Review status: criteria provided, single submitter. Criteria: GeneDx Variant Classification (06012015). Collection method: clinical testing. Allele origin: germline. Affected: yes.
Comment: This variant is considered likely benign or benign based on one or more of the following criteria: it is a conservative change, it occurs at a poorly conserved position in the protein, it is predicted to be benign by multiple in silico algorithms, and/or has population frequency not consistent with disease.

NM_014141.6(CNTNAP2):c.3594C>T (p.Asn1198=)

Gene: CNTNAP2 (contactin associated protein 2; plus strand). Cytogenetic location: 7q36.1.
Variant type: single nucleotide variant.
Coding change: c.3594C>T on transcript NM_014141.6 (MANE Select); coding-DNA position 3594, C replaced by T.
Protein change: p.Asn1198=; no amino-acid change (asparagine 1198 retained).
Molecular consequence: synonymous variant.
Genome position (GRCh38, 1-based): chr7:148,383,767, C>T. VCF-style: chr7-148383767-C-T. GRCh37 (hg19) VCF-style: chr7-148080859-C-T.
Identifiers: ClinVar variation 680509 (VCV000680509.1), dbSNP rs755187817, ClinGen allele CA4546704.